The following is an entry in ClinVar:

NM_001844.5(COL2A1):c.2760del (p.Gly921fs)

Gene: COL2A1 (collagen type II alpha 1 chain; minus strand). Cytogenetic location: 12q13.11.
Variant type: Deletion.
Coding change: c.2760del on transcript NM_001844.5 (MANE Select); coding-DNA position 2760, one base deleted (T; older notation c.2760delT).
Protein change: p.Gly921fs; shifts the reading frame from glycine 921.
Molecular consequence: frameshift variant.
Genome position (GRCh38, 1-based): chr12:47,978,732, A deleted on the plus strand (T on the coding strand, the reverse complement: COL2A1 is on the minus strand). VCF-style (leftmost placement, unchanged base first): chr12-47978731-CA-C. GRCh37 (hg19) VCF-style: chr12-48372514-CA-C.
Other names: c.2553del, p.Gly852fs (NM_033150.3); short protein forms G852fs, G921fs.
Identifiers: ClinVar variation 2137331 (VCV002137331.4), dbSNP rs774979316, ClinGen allele CA6534984.

ClinVar aggregate classification (germline): Pathogenic (1 of 4 stars; one submission).

Allele frequency attached by ClinVar (database versions not stated): gnomAD exomes below 0.00001; ExAC 0.00001.

Submission:

Labcorp Genetics (formerly Invitae), Labcorp
Classification: Pathogenic. Last evaluated: 2022-07-19. Review status: criteria provided, single submitter. Criteria: Invitae Variant Classification Sherloc (09022015). Collection method: clinical testing. Allele origin: germline.
Comment: This variant is present in population databases (rs774979316, gnomAD 0.003%). For these reasons, this variant has been classified as Pathogenic. This premature translational stop signal has been observed in individual(s) with Stickler syndrome (PMID: 20513134). This sequence change creates a premature translational stop signal (p.Gly921Valfs*107) in the COL2A1 gene. It is expected to result in an absent or disrupted protein product. Loss-of-function variants in COL2A1 are known to be pathogenic (PMID: 20179744).

Literature cited by the submitters: PubMed 20513134; PubMed 20179744.